The following is an entry in ClinVar:

NC_000017.10:g.(?_33427962)_(33446642_?)dup

Genes: RAD51D (RAD51 paralog D; minus strand), RAD51L3-RFFL (RAD51L3-RFFL readthrough; minus strand). Cytogenetic location: 17q12.
Variant type: Duplication.
Identifiers: ClinVar variation 665631 (VCV000665631.1).

ClinVar aggregate classification (germline): Uncertain significance (1 of 4 stars; one submission).

Conditions:
Breast-ovarian cancer, familial, susceptibility to, 4. Identifiers: Orphanet 145, MedGen C3280345, MONDO:0013669, OMIM 614291.

Submission:

Labcorp Genetics (formerly Invitae), Labcorp
Classification: Uncertain significance for Breast-ovarian cancer, familial 4. Last evaluated: 2018-07-03. Review status: criteria provided, single submitter. Criteria: Invitae Variant Classification Sherloc (09022015). Collection method: clinical testing. Allele origin: germline.
Comment: A gross duplication of the genomic region encompassing the full coding sequence of the RAD51D gene has been identified. The boundaries of this event are unknown as the duplication extends beyond the assayed region for this gene and therefore may encompass additional genes. As the precise location of this duplication is unknown, it may be in tandem or it may be located elsewhere in the genome. This variant has not been reported in the literature in individuals with RAD51D-related disease. In summary, the available evidence is currently insufficient to determine the role of this variant in disease. Therefore, it has been classified as a Variant of Uncertain Significance.